The following is an entry in ClinVar:

NM_025137.4(SPG11):c.3514A>G (p.Ile1172Val)

Gene: SPG11 (SPG11 vesicle trafficking associated, spatacsin; minus strand). Cytogenetic location: 15q21.1.
Variant type: single nucleotide variant.
Coding change: c.3514A>G on transcript NM_025137.4 (MANE Select); coding-DNA position 3514, A replaced by G.
Protein change: p.Ile1172Val; replaces isoleucine 1172 with valine.
Molecular consequence: missense variant.
Genome position (GRCh38, 1-based): chr15:44,606,031, T>C on the plus strand (A>G on the coding strand, the complement: SPG11 is on the minus strand). VCF-style: chr15-44606031-T-C. GRCh37 (hg19) VCF-style: chr15-44898229-T-C.
Other names: c.3514A>G, p.Ile1172Val (NM_001160227.2); short protein forms I1172V.
Identifiers: ClinVar variation 939571 (VCV000939571.7), dbSNP rs151299495, ClinGen allele CA7534948.
Genomic context (GRCh38, chr15:44,606,031, plus strand): 5'-TTCTGTAGTTAACACTGCTAAAACATGTCTCAAGAAGTACCCATGATGACTTACCTCCTA[T>C]AGCTAGTGTGTTAGCAGACTGCCAGCCAAACAATCTGCTAGGATCAAAGGGTGATAATGA-3'
Protein context (NP_079413.3, residues 1162-1182): FGWQSANTLA[Ile1172Val]GDAWSHLPHF

ClinVar aggregate classification (germline): Uncertain significance (1 of 4 stars; one submission).

Conditions:
Hereditary spastic paraplegia 11. Also called: SPASTIC PARAPLEGIA, AUTOSOMAL RECESSIVE, COMPLICATED, WITH THIN CORPUS CALLOSUM; SPASTIC PARAPLEGIA, AUTOSOMAL RECESSIVE, WITH MENTAL IMPAIRMENT AND THIN CORPUS CALLOSUM; Spastic paraplegia, mental retardation and thin corpus callosum; Nakamura Osame syndrome; Autosomal recessive hereditary spastic paraplegia, mental impairment, and thin corpus callosum; Spastic Paraplegia 11. Identifiers: Orphanet 2822, MedGen C1858479, MONDO:0011445, OMIM 604360.

Allele frequency attached by ClinVar (database versions not stated): ExAC 0.00002; gnomAD exomes 0.00002; TOPMed 0.00002; gnomAD 0.00003 and 0.00004; ESP Exome Variant Server 0.00008.
gnomAD v4.1: 28 of 1,613,426 alleles (0.0017%); highest among the groups gnomAD compares: East Asian, 0.0022%; no homozygotes.

Submission:

Labcorp Genetics (formerly Invitae), Labcorp
Classification: Uncertain significance for Hereditary spastic paraplegia 11. Last evaluated: 2022-05-05. Review status: criteria provided, single submitter. Criteria: Invitae Variant Classification Sherloc (09022015). Collection method: clinical testing. Allele origin: germline.
Comment: This sequence change replaces isoleucine, which is neutral and non-polar, with valine, which is neutral and non-polar, at codon 1172 of the SPG11 protein (p.Ile1172Val). This variant is present in population databases (rs151299495, gnomAD 0.007%). This variant has not been reported in the literature in individuals affected with SPG11-related conditions. ClinVar contains an entry for this variant (Variation ID: 939571). Algorithms developed to predict the effect of missense changes on protein structure and function output the following: SIFT: "Tolerated"; PolyPhen-2: "Benign"; Align-GVGD: "Class C0". The valine amino acid residue is found in multiple mammalian species, which suggests that this missense change does not adversely affect protein function. In summary, the available evidence is currently insufficient to determine the role of this variant in disease. Therefore, it has been classified as a Variant of Uncertain Significance.